The following is an entry in ClinVar:

NM_001267550.2(TTN):c.63934A>C (p.Thr21312Pro)

Genes: TTN (titin; minus strand), TTN-AS1 (TTN antisense RNA 1; plus strand). Cytogenetic location: 2q31.2.
Variant type: single nucleotide variant.
Coding change: c.63934A>C on transcript NM_001267550.2 (MANE Select); coding-DNA position 63934, A replaced by C.
Protein change: p.Thr21312Pro; replaces threonine 21312 with proline.
Molecular consequence: missense variant.
Genome position (GRCh38, 1-based): chr2:178,587,277, T>G on the plus strand (A>C on the coding strand, the complement: TTN is on the minus strand). VCF-style: chr2-178587277-T-G. GRCh37 (hg19) VCF-style: chr2-179452004-T-G.
Other names: c.59011A>C, p.Thr19671Pro (NM_001256850.1); c.36739A>C, p.Thr12247Pro (NM_003319.4); c.56230A>C, p.Thr18744Pro (NM_133378.4); c.37114A>C, p.Thr12372Pro (NM_133432.3); c.37315A>C, p.Thr12439Pro (NM_133437.4); short protein forms T12247P, T12372P, T18744P, T21312P, T19671P, T12439P.
Identifiers: ClinVar variation 1733807 (VCV001733807.2), dbSNP rs2469281831, ClinGen allele CA349447776.

ClinVar aggregate classification (germline): Uncertain significance (1 of 4 stars; one submission).

Conditions:
Cardiovascular phenotype. Identifiers: MedGen CN230736.

Submission:

Ambry Genetics
Classification: Uncertain significance for Cardiovascular phenotype. Last evaluated: 2019-01-17. Review status: criteria provided, single submitter. Criteria: Ambry Variant Classification Scheme 2023. Collection method: clinical testing. Allele origin: germline.
Comment: The p.T12247P variant (also known as c.36739A>C), located in coding exon 134 of the TTN gene, results from an A to C substitution at nucleotide position 36739. The threonine at codon 12247 is replaced by proline, an amino acid with highly similar properties. This amino acid position is highly conserved in available vertebrate species. In addition, this alteration is predicted to be tolerated by in silico analysis. Since supporting evidence is limited at this time, the clinical significance of this alteration remains unclear.